The following is an entry in ClinVar:

NM_000051.4(ATM):c.3292C>T (p.Gln1098Ter)

Gene: ATM (ATM serine/threonine kinase; plus strand). Cytogenetic location: 11q22.3.
Variant type: single nucleotide variant.
Coding change: c.3292C>T on transcript NM_000051.4 (MANE Select); coding-DNA position 3292, C replaced by T.
Protein change: p.Gln1098Ter; replaces glutamine 1098 with a stop codon.
Molecular consequence: nonsense.
Genome position (GRCh38, 1-based): chr11:108,279,498, C>T. VCF-style: chr11-108279498-C-T. GRCh37 (hg19) VCF-style: chr11-108150225-C-T.
Other names: c.3292C>T (NM_000051.2); c.3292C>T, p.Gln1098Ter (NM_001351834.2); short protein forms Q1098*.
Identifiers: ClinVar variation 938009 (VCV000938009.10), dbSNP rs773964990, ClinGen allele CA6265258.

ClinVar aggregate classification (germline): Pathogenic. Review status: criteria provided, multiple submitters, no conflicts (2 of 4 stars). 4 submissions from 4 submitters: Pathogenic (4). Last evaluated 2024-11-26.

Conditions:
Ataxia-telangiectasia syndrome (AT). Also called: Cerebello-oculocutaneous telangiectasia; Immunodeficiency with ataxia telangiectasia; LOUIS-BAR SYNDROME; AT, COMPLEMENTATION GROUP C; ATAXIA-TELANGIECTASIA, COMPLEMENTATION GROUP A; ATAXIA-TELANGIECTASIA, FRESNO VARIANT. Identifiers: Orphanet 100, MedGen C0004135, MONDO:0008840, OMIM 208900.
Hereditary cancer-predisposing syndrome. Also called: Tumor predisposition; Hereditary neoplastic syndrome; Neoplastic Syndromes, Hereditary; Hereditary Cancer Syndrome. Identifiers: Orphanet 140162, MedGen C0027672, MeSH D009386, MONDO:0015356.
Familial cancer of breast. Also called: hereditary breast carcinoma; BREAST CANCER, FAMILIAL; Hereditary breast cancer. Identifiers: Orphanet 227535, MedGen C0346153, MONDO:0016419, OMIM 114480. Disease mechanism: loss of function.

Allele frequency attached by ClinVar (database versions not stated): gnomAD exomes below 0.00001; ExAC 0.00001.

Submissions (4):

Ambry Genetics
Classification: Pathogenic for Hereditary cancer-predisposing syndrome. Last evaluated: 2024-11-26. Review status: criteria provided, single submitter. Criteria: Ambry Variant Classification Scheme 2023. Collection method: clinical testing. Allele origin: germline.
Comment: The p.Q1098* pathogenic mutation (also known as c.3292C>T), located in coding exon 22 of the ATM gene, results from a C to T substitution at nucleotide position 3292. This changes the amino acid from a glutamine to a stop codon within coding exon 22. This alteration is expected to result in loss of function by premature protein truncation or nonsense-mediated mRNA decay. As such, this alteration is interpreted as a disease-causing mutation.

Labcorp Genetics (formerly Invitae), Labcorp
Classification: Pathogenic for Ataxia-telangiectasia syndrome. Last evaluated: 2024-06-10. Review status: criteria provided, single submitter. Criteria: Invitae Variant Classification Sherloc (09022015). Collection method: clinical testing. Allele origin: germline.
Comment: This sequence change creates a premature translational stop signal (p.Gln1098*) in the ATM gene. It is expected to result in an absent or disrupted protein product. Loss-of-function variants in ATM are known to be pathogenic (PMID: 23807571, 25614872). This variant is present in population databases (rs773964990, gnomAD 0.0009%). This premature translational stop signal has been observed in individual(s) with breast cancer (PMID: 29625052). ClinVar contains an entry for this variant (Variation ID: 938009). For these reasons, this variant has been classified as Pathogenic.

Myriad Genetics, Inc.
Classification: Pathogenic for Familial cancer of breast. Last evaluated: 2024-01-19. Review status: criteria provided, single submitter. Criteria: Myriad Autosomal Dominant, Autosomal Recessive and X-Linked Classification Criteria (2023). Collection method: clinical testing. Allele origin: unknown.
Comment: This variant is considered pathogenic. This variant creates a termination codon and is predicted to result in premature protein truncation.

Department of Pathology and Laboratory Medicine, Sinai Health System
Classification: Pathogenic for Familial cancer of breast. Last evaluated: 2022-07-22. Review status: criteria provided, single submitter. Criteria: ACMG Guidelines, 2015. Collection method: clinical testing. Allele origin: germline. Affected: yes.

Literature cited by the submitters: PubMed 23807571 (cited by Labcorp Genetics (formerly Invitae), Labcorp); PubMed 25614872 (cited by Labcorp Genetics (formerly Invitae), Labcorp); PubMed 29625052 (cited by Labcorp Genetics (formerly Invitae), Labcorp).